The following is an entry in ClinVar:

NM_000512.5(GALNS):c.260T>C (p.Leu87Pro)

Gene: GALNS (galactosamine (N-acetyl)-6-sulfatase; minus strand). Cytogenetic location: 16q24.3.
Variant type: single nucleotide variant.
Coding change: c.260T>C on transcript NM_000512.5 (MANE Select); coding-DNA position 260, T replaced by C.
Protein change: p.Leu87Pro; replaces leucine 87 with proline.
Molecular consequence: missense variant. On other transcripts: 5 prime UTR variant (1).
Genome position (GRCh38, 1-based): chr16:88,841,956, A>G on the plus strand (T>C on the coding strand, the complement: GALNS is on the minus strand). VCF-style: chr16-88841956-A-G. GRCh37 (hg19) VCF-style: chr16-88908364-A-G.
Other names: c.-296T>C (NM_001323543.2); c.278T>C, p.Leu93Pro (NM_001323544.2); short protein forms L87P, L93P.
Identifiers: ClinVar variation 1048446 (VCV001048446.3), dbSNP rs1418948853, ClinGen allele CA397089356.

ClinVar aggregate classification (germline): Uncertain significance (1 of 4 stars; one submission).

Conditions:
Mucopolysaccharidosis, MPS-IV-A (MPS4A). Also called: Mucopolysaccharidosis type IV A; Mucopolysaccharidosis Type IVA; Morquio syndrome A, mild; MORQUIO SYNDROME A; MPS IVA; mucopolysaccharidosis type 4A. Identifiers: Orphanet 309297, Orphanet 582, MedGen C0086651, MONDO:0009659, OMIM 253000.

Allele frequency attached by ClinVar (database versions not stated): gnomAD exomes below 0.00001 and 0.00001.
gnomAD v4.1: 3 of 1,613,274 alleles (0.00019%); highest among the groups gnomAD compares: Non-Finnish European, 0.00025%; no homozygotes.

Submission:

Laboratory of Diagnosis and Therapy of Lysosomal Disorders, University of Padova
Classification: Uncertain significance for Mucopolysaccharidosis, MPS-IV-A. Last evaluated: 2021-02-01. Review status: criteria provided, single submitter. Criteria: ACMG Guidelines, 2015. Collection method: research. Allele origin: germline. Affected: yes.
Comment: The prevalence of the variant in affected individuals is significantly increased compared with the prevalence in controls (PS4_supporting); very low frequency in gnomAD v2.1.1 (PM2_moderate); multiple lines of computational evidence support a deleterious effect on the gene (PP3_supporting)

Literature cited by the submitters: PubMed 34387910.